The following is an entry in ClinVar:

ClinVar aggregate classification (germline): Conflicting classifications of pathogenicity. Review status: criteria provided, conflicting classifications (1 of 4 stars). 10 submissions from 8 submitters: Uncertain significance (3); Benign (1); Likely benign (6). Last evaluated 2026-06-01.

Conditions:
Joubert syndrome. Also called: JOUBERT-BOLTSHAUSER SYNDROME; Familial aplasia of the vermis. Identifiers: Orphanet 475, MedGen C5979921, MONDO:0018772.
Meckel-Gruber syndrome. Also called: DYSENCEPHALIA SPLANCHNOCYSTICA; GRUBER SYNDROME; Dysencephalia splachnocystica. Identifiers: Orphanet 564, MedGen C0265215, MONDO:0018921.
Meckel syndrome, type 3 (MKS3). Also called: MECKEL-GRUBER SYNDROME, TYPE 3. Identifiers: Orphanet 564, MedGen C1846357, MONDO:0011821, OMIM 607361.
Joubert syndrome 6 (JBTS6). Identifiers: Orphanet 475, MedGen C1853153, MONDO:0012539, OMIM 610688.
Nephronophthisis 11 (NPHP11). Identifiers: Orphanet 84081, MedGen C3150796, MONDO:0013302, OMIM 613550.

Allele frequency attached by ClinVar (database versions not stated): 1000 Genomes Project 0.00080; 1000 Genomes Project 30x 0.00094; ExAC 0.00110; gnomAD exomes 0.00126 and 0.00187; gnomAD 0.00141 and 0.00145; ESP Exome Variant Server 0.00161; TOPMed 0.00165.
gnomAD v4.1: 2,951 of 1,614,202 alleles (0.18%); highest among the groups gnomAD compares: Admixed American, 0.24%; 4 homozygotes.

Submissions (10):

CeGaT Center for Human Genetics Tuebingen
Classification: Likely benign. Last evaluated: 2026-06-01. Review status: criteria provided, single submitter. Criteria: CeGaT Center For Human Genetics Tuebingen Variant Classification Criteria Version 2. Collection method: clinical testing. Allele origin: germline. Affected: yes. Observed: 4 variant alleles.
Comment: TMEM67: BP4, BP7

Labcorp Genetics (formerly Invitae), Labcorp
Classification: Benign for Joubert syndrome; Meckel-Gruber syndrome. Last evaluated: 2026-01-28. Review status: criteria provided, single submitter. Criteria: Invitae Variant Classification Sherloc (09022015). Collection method: clinical testing. Allele origin: germline.

Mayo Clinic Laboratories, Mayo Clinic
Classification: Likely benign. Last evaluated: 2025-03-05. Review status: criteria provided, single submitter. Criteria: ACMG Guidelines, 2015. Collection method: clinical testing. Allele origin: germline. Observed: 2 variant alleles.
Comment: BS1, BP4, BP7

Blueprint Genetics
Classification: Likely benign. Last evaluated: 2024-11-26. Review status: criteria provided, single submitter. Criteria: ACMG Guidelines, 2015. Collection method: clinical testing. Allele origin: germline.

GeneDx
Classification: Likely benign. Last evaluated: 2020-11-24. Review status: criteria provided, single submitter. Criteria: GeneDx Variant Classification Process June 2021. Collection method: clinical testing. Allele origin: germline. Affected: yes.
Comment: This variant is associated with the following publications: (PMID: 17397051, 23736532)

Illumina Laboratory Services, Illumina
Classification: Uncertain significance for Meckel syndrome, type 3. Last evaluated: 2018-01-12. Review status: criteria provided, single submitter. Criteria: ICSL Variant Classification Criteria 13 December 2019. Collection method: clinical testing. Allele origin: germline.

Illumina Laboratory Services, Illumina
Classification: Uncertain significance for Joubert syndrome 6. Last evaluated: 2018-01-12. Review status: criteria provided, single submitter. Criteria: ICSL Variant Classification Criteria 13 December 2019. Collection method: clinical testing. Allele origin: germline.

Illumina Laboratory Services, Illumina
Classification: Uncertain significance for Nephronophthisis 11. Last evaluated: 2018-01-12. Review status: criteria provided, single submitter. Criteria: ICSL Variant Classification Criteria 13 December 2019. Collection method: clinical testing. Allele origin: germline.

Eurofins Ntd Llc (ga)
Classification: Likely benign. Last evaluated: 2016-12-14. Review status: criteria provided, single submitter. Criteria: EGL Classification Definitions 2015. Collection method: clinical testing. Allele origin: germline. Observed: 1 variant allele, 1 heterozygote.

PreventionGenetics, part of Exact Sciences
Classification: Likely benign. Review status: criteria provided, single submitter. Criteria: ACMG Guidelines, 2015. Collection method: clinical testing. Allele origin: germline.

NM_153704.6(TMEM67):c.186T>C (p.Cys62=)

Gene: TMEM67 (transmembrane protein 67; plus strand). Cytogenetic location: 8q22.1.
Variant type: single nucleotide variant.
Coding change: c.186T>C on transcript NM_153704.6 (MANE Select); coding-DNA position 186, T replaced by C.
Protein change: p.Cys62=; no amino-acid change (cysteine 62 retained).
Molecular consequence: synonymous variant. On other transcripts: 5 prime UTR variant (1), non-coding transcript variant (1).
Genome position (GRCh38, 1-based): chr8:93,755,100, T>C. VCF-style: chr8-93755100-T-C. GRCh37 (hg19) VCF-style: chr8-94767328-T-C.
Other names: p.Cys62=; c.-99T>C (NM_001142301.1).
Identifiers: ClinVar variation 215970 (VCV000215970.43), dbSNP rs115660279, ClinGen allele CA336379.